The following is an entry in ClinVar:

ClinVar aggregate classification (germline): Likely benign (0 of 4 stars; one submission).

Conditions:
GLA-related disorder. Also called: GLA-related condition.

Allele frequency attached by ClinVar (database versions not stated): gnomAD exomes below 0.00001; TOPMed below 0.00001.
gnomAD v4.1: 1 of 592,319 alleles (0.00017%); highest among the groups gnomAD compares: Non-Finnish European, 0.00027%; no homozygotes.

Submission:

PreventionGenetics, part of Exact Sciences
Classification: Likely benign for GLA-related condition. Last evaluated: 2022-11-09. Review status: no assertion criteria provided. Collection method: clinical testing. Allele origin: germline.
Comment: This variant is classified as likely benign based on ACMG/AMP sequence variant interpretation guidelines (Richards et al. 2015 PMID: 25741868, with internal and published modifications).

NC_000023.11:g.101391265G>A

Genes: GLA (galactosidase alpha; minus strand), RPL36A (ribosomal protein L36a; plus strand), RPL36A-HNRNPH2 (RPL36A-HNRNPH2 readthrough; plus strand). Cytogenetic location: Xq22.1.
Variant type: single nucleotide variant.
Molecular consequence: intron variant (on NM_021029.6).
Genome position: GRCh38 VCF-style: chrX-101391265-G-A. GRCh37 (hg19) VCF-style: chrX-100646253-G-A.
Other names: c.4-194G>A (NM_001199973.2, NM_001199974.2, NM_021029.6).
Identifiers: ClinVar variation 3050211 (VCV003050211.2), dbSNP rs1927788614, ClinGen allele CA2448295118.